The following is an entry in ClinVar:

ClinVar aggregate classification (germline): Pathogenic. Review status: criteria provided, multiple submitters, no conflicts (2 of 4 stars). 4 submissions from 4 submitters: Pathogenic (3). 1 of the submissions does not count toward it. Last evaluated 2024-12-26.

Conditions:
Mucopolysaccharidosis type 6 (MPS6). Also called: N-ACETYLGALACTOSAMINE-4-SULFATASE DEFICIENCY; MPS VI; MPS 6; Maroteaux Lamy syndrome; ARSB DEFICIENCY; ARYLSULFATASE B DEFICIENCY. Identifiers: Orphanet 583, MedGen C0026709, MONDO:0009661, OMIM 253200.

gnomAD v4.1: 1 of 1,614,214 alleles (0.000062%); highest among the groups gnomAD compares: Non-Finnish European, 0.000085%; no homozygotes.

Submissions (4):

Women's Health and Genetics/Laboratory Corporation of America, LabCorp
Classification: Pathogenic for Mucopolysaccharidosis type 6. Last evaluated: 2024-12-26. Review status: criteria provided, single submitter. Criteria: LabCorp Variant Classification Summary - May 2015. Collection method: clinical testing. Allele origin: germline.
Comment: Variant summary: ARSB c.797A>C (p.Tyr266Ser) results in a non-conservative amino acid change located in the Sulfatase domain (IPR000917) of the encoded protein sequence. Five of five in-silico tools predict a damaging effect of the variant on protein function. The variant was absent in 251376 control chromosomes. c.797A>C has been reported in the literature in multiple individuals affected with Mucopolysaccharidosis Type VI (Maroteaux-Lamy Syndrome) (e.g. Karageorgos_2007, Jurecka_2012). These data indicate that the variant is very likely to be associated with disease. To our knowledge, no experimental evidence demonstrating an impact on protein function has been reported. The following publications have been ascertained in the context of this evaluation (PMID: 22133300, 17458871). ClinVar contains an entry for this variant (Variation ID: 559814). Based on the evidence outlined above, the variant was classified as pathogenic.

Baylor Genetics
Classification: Pathogenic for Mucopolysaccharidosis type 6. Last evaluated: 2023-08-01. Review status: criteria provided, single submitter. Criteria: ACMG Guidelines, 2015. Collection method: clinical testing. Allele origin: unknown.

Labcorp Genetics (formerly Invitae), Labcorp
Classification: Pathogenic for Mucopolysaccharidosis type 6. Last evaluated: 2023-03-14. Review status: criteria provided, single submitter. Criteria: Invitae Variant Classification Sherloc (09022015). Collection method: clinical testing. Allele origin: germline.
Comment: For these reasons, this variant has been classified as Pathogenic. Advanced modeling of protein sequence and biophysical properties (such as structural, functional, and spatial information, amino acid conservation, physicochemical variation, residue mobility, and thermodynamic stability) performed at Invitae indicates that this missense variant is expected to disrupt ARSB protein function. ClinVar contains an entry for this variant (Variation ID: 559814). This missense change has been observed in individual(s) with mucopolysaccharidosis type VI (PMID: 17458871, 22133300). This variant is not present in population databases (gnomAD no frequency). This sequence change replaces tyrosine, which is neutral and polar, with serine, which is neutral and polar, at codon 266 of the ARSB protein (p.Tyr266Ser).

Laboratory of Diagnosis and Therapy of Lysosomal Disorders, University of Padova
Classification: Uncertain significance for Mucopolysaccharidosis type 6. Last evaluated: 2018-01-01. Review status: flagged submission. Criteria: ACMG Guidelines, 2015. Collection method: curation. Allele origin: germline. Affected: yes. Not counted in ClinVar's aggregate classification.
Comment: Absent from GnomAD (PM2)
ClinVar note: Reason: Claim with insufficient supporting evidence

Literature cited by the submitters: PubMed 17458871 (cited by 3 submitters); PubMed 22133300 (cited by 3 submitters); PubMed 30118150 (cited by Laboratory of Diagnosis and Therapy of Lysosomal Disorders, University of Padova).

NM_000046.5(ARSB):c.797A>C (p.Tyr266Ser)

Gene: ARSB (arylsulfatase B; minus strand). Cytogenetic location: 5q14.1.
Variant type: single nucleotide variant.
Coding change: c.797A>C on transcript NM_000046.5 (MANE Select); coding-DNA position 797, A replaced by C.
Protein change: p.Tyr266Ser; replaces tyrosine 266 with serine.
Molecular consequence: missense variant.
Genome position (GRCh38, 1-based): chr5:78,955,396, T>G on the plus strand (A>C on the coding strand, the complement: ARSB is on the minus strand). VCF-style: chr5-78955396-T-G. GRCh37 (hg19) VCF-style: chr5-78251219-T-G.
Other names: c.797A>C, p.Tyr266Ser (NM_198709.3); short protein forms Y266S.
Identifiers: ClinVar variation 559814 (VCV000559814.11), dbSNP rs1554086402, ClinGen allele CA360192109.